The following is an entry in ClinVar:

ClinVar aggregate classification (germline): Conflicting classifications of pathogenicity. Review status: criteria provided, conflicting classifications (1 of 4 stars). 2 submissions from 2 submitters: Uncertain significance (1); Likely benign (1). Last evaluated 2026-03-27.

Conditions:
Duchenne muscular dystrophy (DMD). Also called: MUSCULAR DYSTROPHY, PSEUDOHYPERTROPHIC PROGRESSIVE, DUCHENNE TYPE; Duchenne Muscular Dystrophy (DMD). Identifiers: Orphanet 98896, MedGen C0013264, MONDO:0010679, OMIM 310200.
Cardiovascular phenotype. Identifiers: MedGen CN230736.

Submissions (2):

Ambry Genetics
Classification: Likely benign for Cardiovascular phenotype. Last evaluated: 2026-03-27. Review status: criteria provided, single submitter. Criteria: Ambry Variant Classification Scheme 2023. Collection method: clinical testing. Allele origin: germline.

Labcorp Genetics (formerly Invitae), Labcorp
Classification: Uncertain significance for Duchenne muscular dystrophy. Last evaluated: 2022-01-02. Review status: criteria provided, single submitter. Criteria: Invitae Variant Classification Sherloc (09022015). Collection method: clinical testing. Allele origin: germline.
Comment: This sequence change replaces glutamine, which is neutral and polar, with histidine, which is basic and polar, at codon 966 of the DMD protein (p.Gln966His). In summary, the available evidence is currently insufficient to determine the role of this variant in disease. Therefore, it has been classified as a Variant of Uncertain Significance. Algorithms developed to predict the effect of missense changes on protein structure and function output the following: SIFT: "Tolerated"; PolyPhen-2: "Probably Damaging"; Align-GVGD: "Class C0". The histidine amino acid residue is found in multiple mammalian species, which suggests that this missense change does not adversely affect protein function. This variant has not been reported in the literature in individuals affected with DMD-related conditions. This variant is not present in population databases (gnomAD no frequency).

NM_004006.3(DMD):c.2898A>T (p.Gln966His)

Gene: DMD (dystrophin; minus strand). Cytogenetic location: Xp21.1.
Variant type: single nucleotide variant.
Coding change: c.2898A>T on transcript NM_004006.3 (MANE Select); coding-DNA position 2898, A replaced by T.
Protein change: p.Gln966His; replaces glutamine 966 with histidine.
Molecular consequence: missense variant.
Genome position (GRCh38, 1-based): chrX:32,472,215, T>A on the plus strand (A>T on the coding strand, the complement: DMD is on the minus strand). VCF-style: chrX-32472215-T-A. GRCh37 (hg19) VCF-style: chrX-32490332-T-A.
Other names: c.2874A>T, p.Gln958His (NM_000109.4); c.2886A>T, p.Gln962His (NM_004009.3); c.2529A>T, p.Gln843His (NM_004010.3); short protein forms Q962H, Q843H, Q966H, Q958H.
Identifiers: ClinVar variation 1941061 (VCV001941061.6), dbSNP rs970153985, ClinGen allele CA412667988.